The following is an entry in ClinVar:

ClinVar aggregate classification (germline): Uncertain significance. Review status: criteria provided, multiple submitters, no conflicts (2 of 4 stars). 2 submissions from 2 submitters: Uncertain significance (2). Last evaluated 2023-12-05.

Conditions:
Hereditary nonpolyposis colorectal neoplasms. Identifiers: MedGen C0009405, MeSH D003123.
Hereditary cancer-predisposing syndrome. Also called: Tumor predisposition; Neoplastic Syndromes, Hereditary; Hereditary neoplastic syndrome; Hereditary Cancer Syndrome. Identifiers: Orphanet 140162, MedGen C0027672, MeSH D009386, MONDO:0015356.

Submissions (2):

Color Diagnostics, LLC DBA Color Health
Classification: Uncertain significance for Hereditary cancer-predisposing syndrome. Last evaluated: 2023-12-05. Review status: criteria provided, single submitter. Criteria: ACMG Guidelines, 2015. Collection method: clinical testing. Allele origin: germline.
Comment: This missense variant replaces threonine with alanine at codon 754 of the MSH6 protein. Computational prediction suggests that this variant may not impact protein structure and function (internally defined REVEL score threshold <= 0.5, PMID: 27666373). To our knowledge, functional studies have not been reported for this variant. This variant has not been reported in individuals affected with MSH6-related disorders in the literature. This variant has not been identified in the general population by the Genome Aggregation Database (gnomAD). The available evidence is insufficient to determine the role of this variant in disease conclusively. Therefore, this variant is classified as a Variant of Uncertain Significance.

Labcorp Genetics (formerly Invitae), Labcorp
Classification: Uncertain significance for Hereditary nonpolyposis colorectal neoplasms. Last evaluated: 2019-10-15. Review status: criteria provided, single submitter. Criteria: Invitae Variant Classification Sherloc (09022015). Collection method: clinical testing. Allele origin: germline.
Comment: In summary, the available evidence is currently insufficient to determine the role of this variant in disease. Therefore, it has been classified as a Variant of Uncertain Significance. Algorithms developed to predict the effect of missense changes on protein structure and function output the following: SIFT: "Tolerated"; PolyPhen-2: "Benign"; Align-GVGD: "Class C0". The alanine amino acid residue is found in multiple mammalian species, suggesting that this missense change does not adversely affect protein function. These predictions have not been confirmed by published functional studies and their clinical significance is uncertain. This variant has not been reported in the literature in individuals with MSH6-related disease. ClinVar contains an entry for this variant (Variation ID: 630670). This variant is not present in population databases (ExAC no frequency). This sequence change replaces threonine with alanine at codon 754 of the MSH6 protein (p.Thr754Ala). The threonine residue is weakly conserved and there is a small physicochemical difference between threonine and alanine.

NM_000179.3(MSH6):c.2260A>G (p.Thr754Ala)

Gene: MSH6 (mutS homolog 6; plus strand). Cytogenetic location: 2p16.3.
Variant type: single nucleotide variant.
Coding change: c.2260A>G on transcript NM_000179.3 (MANE Select); coding-DNA position 2260, A replaced by G.
Protein change: p.Thr754Ala; replaces threonine 754 with alanine.
Molecular consequence: missense variant.
Genome position (GRCh38, 1-based): chr2:47,800,243, A>G. VCF-style: chr2-47800243-A-G. GRCh37 (hg19) VCF-style: chr2-48027382-A-G.
Other names: c.1870A>G, p.Thr624Ala (NM_001281492.2); c.1354A>G, p.Thr452Ala (NM_001281493.2, NM_001281494.2); short protein forms T754A, T452A, T624A.
Identifiers: ClinVar variation 630670 (VCV000630670.15), dbSNP rs545057945, ClinGen allele CA346752742.